The following is an entry in ClinVar:

NM_153766.3(KCNJ1):c.83G>A (p.Gly28Glu)

Gene: KCNJ1 (potassium inwardly rectifying channel subfamily J member 1; minus strand). Cytogenetic location: 11q24.3.
Variant type: single nucleotide variant.
Coding change: c.83G>A on transcript NM_153766.3 (MANE Select); coding-DNA position 83, G replaced by A.
Protein change: p.Gly28Glu; replaces glycine 28 with glutamic acid.
Molecular consequence: missense variant.
Genome position (GRCh38, 1-based): chr11:128,840,161, C>T on the plus strand (G>A on the coding strand, the complement: KCNJ1 is on the minus strand). VCF-style: chr11-128840161-C-T. GRCh37 (hg19) VCF-style: chr11-128710056-C-T.
Other names: c.140G>A, p.Gly47Glu (NM_000220.6); c.83G>A, p.Gly28Glu (NM_153764.3, NM_153767.4); c.134G>A, p.Gly45Glu (NM_153765.3); short protein forms G28E, G45E, G47E.
Identifiers: ClinVar variation 3385266 (VCV003385266.1).

ClinVar aggregate classification (germline): Uncertain significance (1 of 4 stars; one submission).

gnomAD v4.1: 1 of 1,614,152 alleles (0.000062%); highest among the groups gnomAD compares: East Asian, 0.0022%; no homozygotes.

Submission:

Women's Health and Genetics/Laboratory Corporation of America, LabCorp
Classification: Uncertain significance. Last evaluated: 2024-10-16. Review status: criteria provided, single submitter. Criteria: LabCorp Variant Classification Summary - May 2015. Collection method: clinical testing. Allele origin: germline.
Comment: Variant summary: KCNJ1 c.140G>A (p.Gly47Glu) results in a non-conservative amino acid change located in the Potassium channel, inwardly rectifying, transmembrane domain (IPR040445) of the encoded protein sequence. Five of five in-silico tools predict a damaging effect of the variant on protein function. The variant allele was found at a frequency of 4e-06 in 251382 control chromosomes. The available data on variant occurrences in the general population are insufficient to allow any conclusion about variant significance. c.140G>A has been reported in the literature in the compound heterozygous state in at least one individual affected with Bartter Syndrome, Type 2 (Lee_2012, Choi_2023). These data do not allow any conclusion about variant significance. To our knowledge, no experimental evidence demonstrating an impact on protein function has been reported. The following publications have been ascertained in the context of this evaluation (PMID: 36993809, 21865213). No submitters have cited clinical-significance assessments for this variant to ClinVar. Based on the evidence outlined above, the variant was classified as uncertain significance.

Literature cited by the submitters: PubMed 21865213; PubMed 36993809.